The following is an entry in ClinVar:

NM_020117.11(LARS1):c.3500T>C (p.Ile1167Thr)

Gene: LARS1 (leucyl-tRNA synthetase 1; minus strand). Cytogenetic location: 5q32.
Variant type: single nucleotide variant.
Coding change: c.3500T>C on transcript NM_020117.11 (MANE Select); coding-DNA position 3500, T replaced by C.
Protein change: p.Ile1167Thr; replaces isoleucine 1167 with threonine.
Molecular consequence: missense variant.
Genome position (GRCh38, 1-based): chr5:146,114,137, A>G on the plus strand (T>C on the coding strand, the complement: LARS1 is on the minus strand). VCF-style: chr5-146114137-A-G. GRCh37 (hg19) VCF-style: chr5-145493700-A-G.
Other names: c.3500T>C (NM_020117.9); c.3362T>C, p.Ile1121Thr (NM_001317964.2); c.3338T>C, p.Ile1113Thr (NM_001317965.2); c.3419T>C, p.Ile1140Thr (NM_016460.4); short protein forms I1113T, I1121T, I1140T, I1167T.
Identifiers: ClinVar variation 2421793 (VCV002421793.7), dbSNP rs370985873, ClinGen allele CA3489022.

ClinVar aggregate classification (germline): Uncertain significance. Review status: criteria provided, multiple submitters, no conflicts (2 of 4 stars). 2 submissions from 2 submitters: Uncertain significance (2). Last evaluated 2023-06-01.

Allele frequency attached by ClinVar (database versions not stated): TOPMed below 0.00001; ExAC 0.00001; gnomAD 0.00001; gnomAD exomes 0.00001; ESP Exome Variant Server 0.00015.
gnomAD v4.1: 12 of 1,613,758 alleles (0.00074%); highest among the groups gnomAD compares: Non-Finnish European, 0.001%; no homozygotes.

Submissions (2):

GeneDx
Classification: Uncertain significance. Last evaluated: 2023-06-01. Review status: criteria provided, single submitter. Criteria: GeneDx Variant Classification Process June 2021. Collection method: clinical testing. Allele origin: germline. Affected: yes.
Comment: Not observed at significant frequency in large population cohorts (gnomAD); In silico analysis supports that this missense variant has a deleterious effect on protein structure/function; Has not been previously published as pathogenic or benign to our knowledge

Labcorp Genetics (formerly Invitae), Labcorp
Classification: Uncertain significance. Last evaluated: 2022-07-29. Review status: criteria provided, single submitter. Criteria: Invitae Variant Classification Sherloc (09022015). Collection method: clinical testing. Allele origin: germline.
Comment: In summary, the available evidence is currently insufficient to determine the role of this variant in disease. Therefore, it has been classified as a Variant of Uncertain Significance. Algorithms developed to predict the effect of missense changes on protein structure and function are either unavailable or do not agree on the potential impact of this missense change (SIFT: "Not Available"; PolyPhen-2: "Benign"; Align-GVGD: "Not Available"). This variant is present in population databases (rs370985873, gnomAD 0.0009%). This variant has not been reported in the literature in individuals affected with LARS-related conditions. This sequence change replaces isoleucine, which is neutral and non-polar, with threonine, which is neutral and polar, at codon 1167 of the LARS protein (p.Ile1167Thr).